The following is an entry in ClinVar:

NM_001754.5(RUNX1):c.509-3C>T

Genes: RUNX1 (RUNX family transcription factor 1; minus strand), RUNX1-AS1 (RUNX1 antisense RNA 1; plus strand). Cytogenetic location: 21q22.12.
Variant type: single nucleotide variant.
Coding change: c.509-3C>T on transcript NM_001754.5 (MANE Select); 3 bases into the intron before coding-DNA position 509, C replaced by T.
Molecular consequence: intron variant.
Genome position (GRCh38, 1-based): chr21:34,859,581, G>A on the plus strand (C>T on the coding strand, the complement: RUNX1 is on the minus strand). VCF-style: chr21-34859581-G-A. GRCh37 (hg19) VCF-style: chr21-36231878-G-A.
Other names: c.428-3C>T (NM_001001890.3, NM_001122607.2).
Identifiers: ClinVar variation 4827467 (VCV004827467.1).
Genomic context (GRCh38, chr21:34,859,581, plus strand): 5'-TAGGTGGCGACTTGCGGTGGGTTTGTGAAGACAGTGATGGTCAGAGTGAAGCTTTTCCCT[G>A]TGGGGACACGATAGAGAACAAAACAGAATGAGGTTGGTGGCCTGAACATATCTGTTGAAT-3'

ClinVar aggregate classification (germline): Uncertain significance (1 of 4 stars; one submission).

Conditions:
Inborn genetic diseases. Identifiers: MedGen C0950123, MeSH D030342.

Submission:

Ambry Genetics
Classification: Uncertain significance for Inborn genetic diseases. Last evaluated: 2026-03-13. Review status: criteria provided, single submitter. Criteria: Ambry Variant Classification Scheme 2023. Collection method: clinical testing. Allele origin: germline.
Comment: The c.509-3C>T intronic variant results from a C to T substitution 3 nucleotides upstream from coding exon 5 in the RUNX1 gene. This nucleotide position is well conserved in available vertebrate species. In silico splice site analysis predicts that this alteration will not have any significant effect on splicing. Based on the available evidence, the clinical significance of this variant remains unclear.